The following is an entry in ClinVar:

NM_024529.5(CDC73):c.127T>C (p.Trp43Arg)

Gene: CDC73 (cell division cycle 73; plus strand). Cytogenetic location: 1q31.2.
Variant type: single nucleotide variant.
Coding change: c.127T>C on transcript NM_024529.5 (MANE Select); coding-DNA position 127, T replaced by C.
Protein change: p.Trp43Arg; replaces tryptophan 43 with arginine.
Molecular consequence: missense variant.
Genome position (GRCh38, 1-based): chr1:193,122,327, T>C. VCF-style: chr1-193122327-T-C. GRCh37 (hg19) VCF-style: chr1-193091457-T-C.
Other names: short protein forms W43R.
Identifiers: ClinVar variation 3488534 (VCV003488534.1).

ClinVar aggregate classification (germline): Uncertain significance (1 of 4 stars; one submission).

Conditions:
Hereditary cancer-predisposing syndrome. Also called: Tumor predisposition; Neoplastic Syndromes, Hereditary; Hereditary Cancer Syndrome; Hereditary neoplastic syndrome. Identifiers: Orphanet 140162, MedGen C0027672, MeSH D009386, MONDO:0015356.

Submission:

Ambry Genetics
Classification: Uncertain significance for Hereditary cancer-predisposing syndrome. Last evaluated: 2024-11-10. Review status: criteria provided, single submitter. Criteria: Ambry Variant Classification Scheme 2023. Collection method: clinical testing. Allele origin: germline.
Comment: The p.W43R variant (also known as c.127T>C), located in coding exon 1 of the CDC73 gene, results from a T to C substitution at nucleotide position 127. The tryptophan at codon 43 is replaced by arginine, an amino acid with dissimilar properties. This amino acid position is conserved. In addition, this alteration is predicted to be deleterious by in silico analysis. Based on the available evidence, the clinical significance of this variant remains unclear.